The following is an entry in ClinVar:

NM_000452.3(SLC10A2):c.892C>G (p.Leu298Val)

Gene: SLC10A2 (solute carrier family 10 member 2; minus strand). Cytogenetic location: 13q33.1.
Variant type: single nucleotide variant.
Coding change: c.892C>G on transcript NM_000452.3 (MANE Select); coding-DNA position 892, C replaced by G.
Protein change: p.Leu298Val; replaces leucine 298 with valine.
Molecular consequence: missense variant.
Genome position (GRCh38, 1-based): chr13:103,049,316, G>C on the plus strand (C>G on the coding strand, the complement: SLC10A2 is on the minus strand). VCF-style: chr13-103049316-G-C. GRCh37 (hg19) VCF-style: chr13-103701666-G-C.
Other names: short protein forms L298V.
Identifiers: ClinVar variation 2082764 (VCV002082764.4), dbSNP rs200001242, ClinGen allele CA255201519.

ClinVar aggregate classification (germline): Uncertain significance (1 of 4 stars; one submission).

Allele frequency attached by ClinVar (database versions not stated): TOPMed below 0.00001; gnomAD 0.00001; gnomAD exomes 0.00001.
gnomAD v4.1: 9 of 1,613,824 alleles (0.00056%); highest among the groups gnomAD compares: Non-Finnish European, 0.00076%; no homozygotes.

Submission:

Labcorp Genetics (formerly Invitae), Labcorp
Classification: Uncertain significance. Last evaluated: 2024-07-01. Review status: criteria provided, single submitter. Criteria: Invitae Variant Classification Sherloc (09022015). Collection method: clinical testing. Allele origin: germline.
Comment: This sequence change replaces leucine, which is neutral and non-polar, with valine, which is neutral and non-polar, at codon 298 of the SLC10A2 protein (p.Leu298Val). This variant is present in population databases (rs200001242, gnomAD 0.003%). This variant has not been reported in the literature in individuals affected with SLC10A2-related conditions. ClinVar contains an entry for this variant (Variation ID: 2082764). Advanced modeling of protein sequence and biophysical properties (such as structural, functional, and spatial information, amino acid conservation, physicochemical variation, residue mobility, and thermodynamic stability) performed at Invitae indicates that this missense variant is not expected to disrupt SLC10A2 protein function with a negative predictive value of 80%. In summary, the available evidence is currently insufficient to determine the role of this variant in disease. Therefore, it has been classified as a Variant of Uncertain Significance.